The following is an entry in ClinVar:

NM_006379.5(SEMA3C):c.538+8G>C

Gene: SEMA3C (semaphorin 3C; minus strand). Cytogenetic location: 7q21.11.
Variant type: single nucleotide variant.
Coding change: c.538+8G>C on transcript NM_006379.5 (MANE Select); 8 bases into the intron after coding-DNA position 538, G replaced by C.
Molecular consequence: intron variant.
Genome position (GRCh38, 1-based): chr7:80,810,603, C>G on the plus strand (G>C on the coding strand, the complement: SEMA3C is on the minus strand). VCF-style: chr7-80810603-C-G. GRCh37 (hg19) VCF-style: chr7-80439919-C-G.
Other names: c.592+8G>C (NM_001350120.2); c.364+8G>C (NM_001350121.2).
Identifiers: ClinVar variation 3348498 (VCV003348498.1).
Genomic context (GRCh38, chr7:80,810,603, plus strand): 5'-TATACCATGTCAAGCTAATTTTCCATGTTATTTTATGTTTAATCCTCCCTCTTTCGTTGT[C>G]TACTTACTGATCATAACAGACACCGTGTTCACGTTGGGGTTGAAAGAGCAGCGTCCTTTT-3'

ClinVar aggregate classification (germline): Likely benign (0 of 4 stars; one submission).

Conditions:
SEMA3C-related disorder. Also called: SEMA3C-related condition.

Submission:

PreventionGenetics, part of Exact Sciences
Classification: Likely benign for SEMA3C-related condition. Last evaluated: 2024-01-30. Review status: no assertion criteria provided. Collection method: clinical testing. Allele origin: germline.
Comment: This variant is classified as likely benign based on ACMG/AMP sequence variant interpretation guidelines (Richards et al. 2015 PMID: 25741868, with internal and published modifications).